The following is an entry in ClinVar:

ClinVar aggregate classification (germline): Uncertain significance (1 of 4 stars; one submission).

Conditions:
Galactosylceramide beta-galactosidase deficiency. Also called: GALACTOCEREBROSIDASE DEFICIENCY; GALC DEFICIENCY; GLOBOID CELL LEUKOENCEPHALOPATHY; Leukodystrophy, Globoid Cell; Krabbe Disease. Identifiers: Orphanet 487, MedGen C0023521, MONDO:0009499, OMIM 245200.

Submission:

Labcorp Genetics (formerly Invitae), Labcorp
Classification: Uncertain significance for Galactosylceramide beta-galactosidase deficiency. Last evaluated: 2024-12-28. Review status: criteria provided, single submitter. Criteria: Invitae Variant Classification Sherloc (09022015). Collection method: clinical testing. Allele origin: germline.
Comment: This sequence change replaces alanine, which is neutral and non-polar, with proline, which is neutral and non-polar, at codon 626 of the GALC protein (p.Ala626Pro). This variant is not present in population databases (gnomAD no frequency). This variant has not been reported in the literature in individuals affected with GALC-related conditions. Invitae Evidence Modeling of protein sequence and biophysical properties (such as structural, functional, and spatial information, amino acid conservation, physicochemical variation, residue mobility, and thermodynamic stability) indicates that this missense variant is expected to disrupt GALC protein function with a positive predictive value of 80%. In summary, the available evidence is currently insufficient to determine the role of this variant in disease. Therefore, it has been classified as a Variant of Uncertain Significance.

NM_000153.4(GALC):c.1876G>C (p.Ala626Pro)

Gene: GALC (galactosylceramidase; minus strand). Cytogenetic location: 14q31.3.
Variant type: single nucleotide variant.
Coding change: c.1876G>C on transcript NM_000153.4 (MANE Select); coding-DNA position 1876, G replaced by C.
Protein change: p.Ala626Pro; replaces alanine 626 with proline.
Molecular consequence: missense variant. On other transcripts: non-coding transcript variant (1).
Genome position (GRCh38, 1-based): chr14:87,939,940, C>G on the plus strand (G>C on the coding strand, the complement: GALC is on the minus strand). VCF-style: chr14-87939940-C-G. GRCh37 (hg19) VCF-style: chr14-88406284-C-G.
Other names: c.1807G>C, p.Ala603Pro (NM_001201401.2); c.1798G>C, p.Ala600Pro (NM_001201402.2); c.1708G>C, p.Ala570Pro (NM_001424071.1, NM_001424072.1, NM_001424073.1); c.1528G>C, p.Ala510Pro (NM_001424074.1, NM_001424075.1); c.1243G>C, p.Ala415Pro (NM_001424076.1, NM_001424077.1); short protein forms A510P, A415P, A570P, A603P, A626P, A600P.
Identifiers: ClinVar variation 3682823 (VCV003682823.2).
Genomic context (GRCh38, chr14:87,939,940, plus strand): 5'-CCAGACTCCAATCAGCAATACTTACCTTAATAGTTAACGTGAGTGTATACCATTTTTTTG[C>G]TGTAACTTCAACACGTCCTAAAGCATATATAATCCATCCAGCTGTAACACAAAAATATTA-3'
Protein context (NP_000144.2, residues 616-636): IYALGRVEVT[Ala626Pro]KKWYTLTLTI